The following is an entry in ClinVar:

NM_018368.4(LMBRD1):c.500A>G (p.Asn167Ser)

Gene: LMBRD1 (LMBR1 domain containing 1; minus strand). Cytogenetic location: 6q13.
Variant type: single nucleotide variant.
Coding change: c.500A>G on transcript NM_018368.4 (MANE Select); coding-DNA position 500, A replaced by G.
Protein change: p.Asn167Ser; replaces asparagine 167 with serine.
Molecular consequence: missense variant.
Genome position (GRCh38, 1-based): chr6:69,741,851, T>C on the plus strand (A>G on the coding strand, the complement: LMBRD1 is on the minus strand). VCF-style: chr6-69741851-T-C. GRCh37 (hg19) VCF-style: chr6-70451743-T-C.
Other names: c.500A>G (NM_018368.3); c.281A>G, p.Asn94Ser (NM_001363722.2, NM_001367271.1, NM_001367272.1); short protein forms N167S, N94S.
Identifiers: ClinVar variation 2073972 (VCV002073972.5), dbSNP rs766186822, ClinGen allele CA3879875.

ClinVar aggregate classification (germline): Uncertain significance. Review status: criteria provided, multiple submitters, no conflicts (2 of 4 stars). 2 submissions from 2 submitters: Uncertain significance (2). Last evaluated 2025-11-26.

Conditions:
Inborn genetic diseases. Identifiers: MedGen C0950123, MeSH D030342.
Methylmalonic aciduria and homocystinuria type cblF. Also called: COBALAMIN F DISEASE; COBALAMIN, DEFECT IN LYSOSOMAL RELEASE OF; METHYLMALONIC ACIDEMIA AND HOMOCYSTINURIA, cblF TYPE; METHYLMALONIC ACIDURIA DUE TO VITAMIN B12-RELEASE DEFECT; VITAMIN B12 LYSOSOMAL RELEASE DEFECT; VITAMIN B12 STORAGE DISEASE. Identifiers: Orphanet 79284, MedGen C1848578, MONDO:0010183, OMIM 277380.

Allele frequency attached by ClinVar (database versions not stated): TOPMed 0.00002; gnomAD 0.00003; ExAC 0.00004; gnomAD exomes 0.00004.

Submissions (4):

Ambry Genetics
Classification: Uncertain significance for Inborn genetic diseases. Last evaluated: 2025-11-26. Review status: criteria provided, single submitter. Criteria: Ambry Variant Classification Scheme 2023. Collection method: clinical testing. Allele origin: germline.

Labcorp Genetics (formerly Invitae), Labcorp
Classification: Uncertain significance for Methylmalonic aciduria and homocystinuria type cblF. Last evaluated: 2022-04-20. Review status: criteria provided, single submitter. Criteria: Invitae Variant Classification Sherloc (09022015). Collection method: clinical testing. Allele origin: germline.
Comment: This sequence change replaces asparagine, which is neutral and polar, with serine, which is neutral and polar, at codon 167 of the LMBRD1 protein (p.Asn167Ser). This variant is present in population databases (rs766186822, gnomAD 0.008%). This variant has not been reported in the literature in individuals affected with LMBRD1-related conditions. Algorithms developed to predict the effect of missense changes on protein structure and function output the following: SIFT: "Tolerated"; PolyPhen-2: "Benign"; Align-GVGD: "Class C0". The serine amino acid residue is found in multiple mammalian species, which suggests that this missense change does not adversely affect protein function. In summary, the available evidence is currently insufficient to determine the role of this variant in disease. Therefore, it has been classified as a Variant of Uncertain Significance.

Dr. Peter K. Rogan Lab, Western University
No classification provided (evidence only). Condition: Acute myeloid leukemia. Review status: no classification provided. Collection method: in vitro. Allele origin: not applicable. Functional consequence: retained intron. Not counted in ClinVar's aggregate classification.

Dr. Peter K. Rogan Lab, Western University
No classification provided (evidence only). Condition: Thyroid cancer, nonmedullary, 1. Review status: no classification provided. Collection method: in vitro. Allele origin: not applicable. Functional consequence: retained intron. Not counted in ClinVar's aggregate classification.